The following is an entry in ClinVar:

NM_024529.5(CDC73):c.144A>C (p.Glu48Asp)

Gene: CDC73 (cell division cycle 73; plus strand). Cytogenetic location: 1q31.2.
Variant type: single nucleotide variant.
Coding change: c.144A>C on transcript NM_024529.5 (MANE Select); coding-DNA position 144, A replaced by C.
Protein change: p.Glu48Asp; replaces glutamic acid 48 with aspartic acid.
Molecular consequence: missense variant.
Genome position (GRCh38, 1-based): chr1:193,125,124, A>C. VCF-style: chr1-193125124-A-C. GRCh37 (hg19) VCF-style: chr1-193094254-A-C.
Other names: short protein forms E48D.
Identifiers: ClinVar variation 1392509 (VCV001392509.8), dbSNP rs2103113897, ClinGen allele CA343973054.

ClinVar aggregate classification (germline): Uncertain significance (1 of 4 stars; one submission).

Conditions:
Parathyroid carcinoma (PRTC). Also called: Parathyroid gland carcinoma; CDC73-Related Parathyroid Carcinoma. Identifiers: Orphanet 143, MedGen C0687150, MONDO:0012004, OMIM 608266, HP:0006780.

Submission:

Labcorp Genetics (formerly Invitae), Labcorp
Classification: Uncertain significance for Parathyroid carcinoma. Last evaluated: 2022-07-19. Review status: criteria provided, single submitter. Criteria: Invitae Variant Classification Sherloc (09022015). Collection method: clinical testing. Allele origin: germline.
Comment: In summary, the available evidence is currently insufficient to determine the role of this variant in disease. Therefore, it has been classified as a Variant of Uncertain Significance. Algorithms developed to predict the effect of missense changes on protein structure and function (SIFT, PolyPhen-2, Align-GVGD) all suggest that this variant is likely to be tolerated. ClinVar contains an entry for this variant (Variation ID: 1392509). This variant has not been reported in the literature in individuals affected with CDC73-related conditions. This variant is not present in population databases (gnomAD no frequency). This sequence change replaces glutamic acid, which is acidic and polar, with aspartic acid, which is acidic and polar, at codon 48 of the CDC73 protein (p.Glu48Asp).